The following is an entry in ClinVar:

ClinVar aggregate classification (germline): Pathogenic (1 of 4 stars; one submission).

Submission:

Labcorp Genetics (formerly Invitae), Labcorp
Classification: Pathogenic. Last evaluated: 2023-05-22. Review status: criteria provided, single submitter. Criteria: Invitae Variant Classification Sherloc (09022015). Collection method: clinical testing. Allele origin: germline.
Comment: This sequence change creates a premature translational stop signal (p.His299Glnfs*3) in the ESCO2 gene. It is expected to result in an absent or disrupted protein product. Loss-of-function variants in ESCO2 are known to be pathogenic (PMID: 15821733, 16380922). This variant is not present in population databases (gnomAD no frequency). This variant has not been reported in the literature in individuals affected with ESCO2-related conditions. For these reasons, this variant has been classified as Pathogenic.

Literature cited by the submitters: PubMed 15821733; PubMed 16380922.

NM_001017420.3(ESCO2):c.897_898del (p.His299fs)

Gene: ESCO2 (establishment of sister chromatid cohesion N-acetyltransferase 2; plus strand). Cytogenetic location: 8p21.1.
Variant type: Deletion.
Coding change: c.897_898del on transcript NM_001017420.3 (MANE Select); coding-DNA positions 897 to 898, 2 bases deleted (TA; older notation c.897_898delTA).
Protein change: p.His299fs; shifts the reading frame from histidine 299.
Molecular consequence: frameshift variant.
Genome position (GRCh38, 1-based): chr8:27,780,209-27,780,210, TA deleted; deleting any 2 consecutive bases within chr8:27,780,208-27,780,210 gives the same sequence; the c. name uses the placement nearest the transcript's 3' end. VCF-style (leftmost placement, unchanged base first): chr8-27780207-CAT-C. GRCh37 (hg19) VCF-style: chr8-27637724-CAT-C.
Other names: short protein forms H299fs.
Identifiers: ClinVar variation 2870029 (VCV002870029.3), dbSNP rs1804893340, ClinGen allele CA1772946627.